The following is an entry in ClinVar:

NM_000321.3(RB1):c.916G>A (p.Val306Ile)

Gene: RB1 (RB transcriptional corepressor 1; plus strand). Cytogenetic location: 13q14.2.
Variant type: single nucleotide variant.
Coding change: c.916G>A on transcript NM_000321.3 (MANE Select); coding-DNA position 916, G replaced by A.
Protein change: p.Val306Ile; replaces valine 306 with isoleucine.
Molecular consequence: missense variant.
Genome position (GRCh38, 1-based): chr13:48,364,948, G>A. VCF-style: chr13-48364948-G-A. GRCh37 (hg19) VCF-style: chr13-48939084-G-A.
Other names: c.916G>A, p.Val306Ile (NM_001407165.1, NM_001407166.1); short protein forms V306I.
Identifiers: ClinVar variation 1766040 (VCV001766040.5), dbSNP rs773169052, ClinGen allele CA039806.
Genomic context (GRCh38, chr13:48,364,948, plus strand): 5'-TTTCAGGTGAAAAATGTTTATTTCAAAAATTTTATACCTTTTATGAATTCTCTTGGACTT[G>A]TAACATCTAATGGACTTCCAGAGGTAATCTGAAAGGAAATTTAATAAAATATTAATGTTT-3'
Protein context (NP_000312.2, residues 296-316): FIPFMNSLGL[Val306Ile]TSNGLPEVEN

ClinVar aggregate classification (germline): Conflicting classifications of pathogenicity. Review status: criteria provided, conflicting classifications (1 of 4 stars). 4 submissions from 4 submitters: Uncertain significance (3); Likely benign (1). Last evaluated 2025-11-17.

Conditions:
Hereditary cancer-predisposing syndrome. Also called: Neoplastic Syndromes, Hereditary; Tumor predisposition; Hereditary Cancer Syndrome; Hereditary neoplastic syndrome. Identifiers: Orphanet 140162, MedGen C0027672, MeSH D009386, MONDO:0015356.
Retinoblastoma (RB1). Also called: RETINOBLASTOMA, SOMATIC. Identifiers: Orphanet 790, MedGen C0035335, MeSH D012175, MONDO:0008380, OMIM 180200, HP:0009919. Disease mechanism: loss of function. Inheritance: Both sporadic and heritable forms are tested..

Allele frequency attached by ClinVar (database versions not stated): gnomAD exomes below 0.00001; gnomAD 0.00001.
gnomAD v4.1: 5 of 1,571,524 alleles (0.00032%); highest among the groups gnomAD compares: South Asian, 0.0046%; no homozygotes.

Submissions (4):

Ambry Genetics
Classification: Uncertain significance for Hereditary cancer-predisposing syndrome. Last evaluated: 2025-11-17. Review status: criteria provided, single submitter. Criteria: Ambry Variant Classification Scheme 2023. Collection method: clinical testing. Allele origin: germline.
Comment: The p.V306I variant (also known as c.916G>A), located in coding exon 9 of the RB1 gene, results from a G to A substitution at nucleotide position 916. The valine at codon 306 is replaced by isoleucine, an amino acid with highly similar properties. This amino acid position is not well conserved in available vertebrate species. In addition, this alteration is predicted to be tolerated by in silico analysis. Based on the available evidence, the clinical significance of this variant remains unclear.

Color Diagnostics, LLC DBA Color Health
Classification: Likely benign for Retinoblastoma. Last evaluated: 2025-10-06. Review status: criteria provided, single submitter. Criteria: ACMG Guidelines, 2015. Collection method: clinical testing. Allele origin: germline.

Labcorp Genetics (formerly Invitae), Labcorp
Classification: Uncertain significance for Retinoblastoma. Last evaluated: 2025-03-02. Review status: criteria provided, single submitter. Criteria: Invitae Variant Classification Sherloc (09022015). Collection method: clinical testing. Allele origin: germline.
Comment: This sequence change replaces valine, which is neutral and non-polar, with isoleucine, which is neutral and non-polar, at codon 306 of the RB1 protein (p.Val306Ile). This variant is not present in population databases (gnomAD no frequency). This variant has not been reported in the literature in individuals affected with RB1-related conditions. ClinVar contains an entry for this variant (Variation ID: 1766040). Invitae Evidence Modeling of protein sequence and biophysical properties (such as structural, functional, and spatial information, amino acid conservation, physicochemical variation, residue mobility, and thermodynamic stability) indicates that this missense variant is not expected to disrupt RB1 protein function with a negative predictive value of 80%. In summary, the available evidence is currently insufficient to determine the role of this variant in disease. Therefore, it has been classified as a Variant of Uncertain Significance.

All of Us Research Program, National Institutes of Health
Classification: Uncertain significance for Retinoblastoma. Last evaluated: 2023-06-26. Review status: criteria provided, single submitter. Criteria: ACMG Guidelines, 2015. Collection method: clinical testing. Allele origin: germline. Inheritance: Autosomal dominant inheritance. Observed: 1 variant allele, 1 heterozygote.
Comment: This missense variant replaces valine with isoleucine at codon 306 of the RB1 protein. Computational prediction suggests that this variant may not impact protein structure and function (internally defined REVEL score threshold <= 0.5, PMID: 27666373). To our knowledge, functional studies have not been reported for this variant. This variant has not been reported in individuals affected with RB1-related disorders in the literature. This variant has not been identified in the general population by the Genome Aggregation Database (gnomAD). The available evidence is insufficient to determine the role of this variant in disease conclusively. Therefore, this variant is classified as a Variant of Uncertain Significance.

This study involves interpretation of variants in research participants for the purpose of population health screening. Participant phenotype was not available at the time of variant classification. Additional details can be found in publication PMID: 35346344, PMCID: PMC8962531